The following is an entry in ClinVar:

ClinVar aggregate classification (germline): Uncertain significance (1 of 4 stars; one submission).

gnomAD v4.1: 2 of 1,613,804 alleles (0.00012%); highest among the groups gnomAD compares: South Asian, 0.0022%; no homozygotes.

Submission:

Labcorp Genetics (formerly Invitae), Labcorp
Classification: Uncertain significance. Last evaluated: 2023-08-11. Review status: criteria provided, single submitter. Criteria: Invitae Variant Classification Sherloc (09022015). Collection method: clinical testing. Allele origin: germline.
Comment: In summary, the available evidence is currently insufficient to determine the role of this variant in disease. Therefore, it has been classified as a Variant of Uncertain Significance. This sequence change replaces aspartic acid, which is acidic and polar, with asparagine, which is neutral and polar, at codon 367 of the ATRIP protein (p.Asp367Asn). This variant is present in population databases (no rsID available, gnomAD 0.003%). This variant has not been reported in the literature in individuals affected with ATRIP-related conditions. An algorithm developed to predict the effect of missense changes on protein structure and function (PolyPhen-2) suggests that this variant is likely to be disruptive.

NM_130384.3(ATRIP):c.1099G>A (p.Asp367Asn)

Genes: ATRIP (ATR interacting protein; plus strand), ATRIP-TREX1 (ATRIP-TREX1 readthrough; plus strand). Cytogenetic location: 3p21.31.
Variant type: single nucleotide variant.
Coding change: c.1099G>A on transcript NM_130384.3 (MANE Select); coding-DNA position 1099, G replaced by A.
Protein change: p.Asp367Asn; replaces aspartic acid 367 with asparagine.
Molecular consequence: missense variant. On other transcripts: non-coding transcript variant (1).
Genome position (GRCh38, 1-based): chr3:48,460,153, G>A. VCF-style: chr3-48460153-G-A. GRCh37 (hg19) VCF-style: chr3-48501552-G-A.
Other names: c.718G>A, p.Asp240Asn (NM_001271022.2); c.820G>A, p.Asp274Asn (NM_001271023.2); c.1099G>A, p.Asp367Asn (NM_032166.4); short protein forms D274N, D367N, D240N.
Identifiers: ClinVar variation 2800597 (VCV002800597.3), dbSNP rs368490195, ClinGen allele CA352720716.